The following is an entry in ClinVar:

NM_001165963.4(SCN1A):c.5336A>G (p.Asn1779Ser)

Genes: SCN1A (sodium voltage-gated channel alpha subunit 1; minus strand), LOC102724058 (uncharacterized LOC102724058; plus strand). Cytogenetic location: 2q24.3.
Variant type: single nucleotide variant.
Coding change: c.5336A>G on transcript NM_001165963.4 (MANE Select); coding-DNA position 5336, A replaced by G.
Protein change: p.Asn1779Ser; replaces asparagine 1779 with serine.
Molecular consequence: missense variant. On other transcripts: non-coding transcript variant (1).
Genome position (GRCh38, 1-based): chr2:165,991,939, T>C on the plus strand (A>G on the coding strand, the complement: SCN1A is on the minus strand). VCF-style: chr2-165991939-T-C. GRCh37 (hg19) VCF-style: chr2-166848449-T-C.
Other names: c.5252A>G, p.Asn1751Ser (NM_001165964.3, NM_001353957.2, NM_001353958.2); c.5336A>G, p.Asn1779Ser (NM_001202435.3, NM_001353948.2); c.5303A>G, p.Asn1768Ser (NM_001353949.2, NM_001353950.2, NM_001353951.2 and 2 more transcripts); c.5300A>G, p.Asn1767Ser (NM_001353954.2, NM_001353955.2); c.5249A>G, p.Asn1750Ser (NM_001353960.2); c.2894A>G, p.Asn965Ser (NM_001353961.2); short protein forms N1768S, N1779S, N1750S, N1767S, N1751S, N965S.
Identifiers: ClinVar variation 212119 (VCV000212119.9), dbSNP rs797045940, ClinGen allele CA208252.

ClinVar aggregate classification (germline): Pathogenic/Likely pathogenic. Review status: criteria provided, multiple submitters, no conflicts (2 of 4 stars). 3 submissions from 3 submitters: Pathogenic (1); Likely pathogenic (1). 1 of the submissions does not count toward it. Last evaluated 2024-10-03.

Conditions:
Autosomal dominant epilepsy.
Early-infantile DEE. Also called: Ohtahara syndrome; Early infantile epileptic encephalopathy; Early infantile epileptic encephalopathy with suppression bursts. Identifiers: Orphanet 1934, MedGen C0393706, MONDO:0800491.

Submissions (3):

Labcorp Genetics (formerly Invitae), Labcorp
Classification: Pathogenic for Early-infantile DEE. Last evaluated: 2024-10-03. Review status: criteria provided, single submitter. Criteria: Invitae Variant Classification Sherloc (09022015). Collection method: clinical testing. Allele origin: germline.
Comment: This sequence change replaces asparagine, which is neutral and polar, with serine, which is neutral and polar, at codon 1779 of the SCN1A protein (p.Asn1779Ser). This variant is not present in population databases (gnomAD no frequency). This missense change has been observed in individual(s) with autosomal dominant SCN1A-related conditions (internal data). In at least one individual the variant was observed to be de novo. ClinVar contains an entry for this variant (Variation ID: 212119). Invitae Evidence Modeling of protein sequence and biophysical properties (such as structural, functional, and spatial information, amino acid conservation, physicochemical variation, residue mobility, and thermodynamic stability) indicates that this missense variant is expected to disrupt SCN1A protein function with a positive predictive value of 95%. For these reasons, this variant has been classified as Pathogenic.

Women's Health and Genetics/Laboratory Corporation of America, LabCorp
Classification: Likely pathogenic for Autosomal dominant epilepsy. Last evaluated: 2019-07-18. Review status: criteria provided, single submitter. Criteria: LabCorp Variant Classification Summary - May 2015. Collection method: clinical testing. Allele origin: germline.
Comment: Variant summary: SCN1A c.5336A>G (p.Asn1779Ser) results in a conservative amino acid change located in the Ion transport domain (IPR005821) of the encoded protein sequence (ACMG PM1, PP2). Four of five in-silico tools predict a damaging effect of the variant on protein function. The variant was absent in 251180 control chromosomes (ACMG PM2). To our knowledge, no published occurrence of c.5336A>G in individuals affected with SCN1A-Related Seizure Disorder and no experimental evidence demonstrating its impact on protein function have been reported. Subsequent analysis pointed to a "presumed" de-novo etiology following analysis targeted specifically for this variant in both the parents (ACMG PM6). One clinical diagnostic laboratory has submitted clinical-significance assessments for this variant to ClinVar after 2014 without evidence for independent evaluation and classified the variant as uncertain significance. Based on the evidence outlined above, the variant was classified as likely pathogenic.

Genetic Services Laboratory, University of Chicago
Classification: Uncertain significance. Last evaluated: 2015-05-18. Review status: flagged submission. Criteria: ACMG Guidelines, 2015. Collection method: clinical testing. Allele origin: germline. Not counted in ClinVar's aggregate classification.
ClinVar note: Reason: Older claim that does not account for recent evidence